The following is an entry in ClinVar:

NM_004260.4(RECQL4):c.3023G>A (p.Cys1008Tyr)

Gene: RECQL4 (RecQ like helicase 4; minus strand). Cytogenetic location: 8q24.3.
Variant type: single nucleotide variant.
Coding change: c.3023G>A on transcript NM_004260.4 (MANE Select); coding-DNA position 3023, G replaced by A.
Protein change: p.Cys1008Tyr; replaces cysteine 1008 with tyrosine.
Molecular consequence: missense variant.
Genome position (GRCh38, 1-based): chr8:144,512,424, C>T on the plus strand (G>A on the coding strand, the complement: RECQL4 is on the minus strand). VCF-style: chr8-144512424-C-T. GRCh37 (hg19) VCF-style: chr8-145737807-C-T.
Other names: short protein forms C1008Y.
Identifiers: ClinVar variation 580463 (VCV000580463.4), dbSNP rs1564790487, ClinGen allele CA372671360.
Genomic context (GRCh38, chr8:144,512,424, plus strand): 5'-GGGCGGTGTGGGGTGGGGAGAGGCGCACCTGTCCTGGGCTCGTGGTCCCACTGCAGCTGG[C>T]AGAGAGCCCGCCGCACAGAGGCCAGCTCCCAGCCCATGGAGTCCACCAGCTTGACCATGT-3'
Protein context (NP_004251.4, residues 998-1018): WELASVRRAL[Cys1008Tyr]QLQWDHEPRT

ClinVar aggregate classification (germline): Uncertain significance (1 of 4 stars; one submission).

Conditions:
Baller-Gerold syndrome (BGS). Also called: CRANIOSYNOSTOSIS WITH RADIAL DEFECTS. Identifiers: Orphanet 1225, MedGen C0265308, MONDO:0009039, OMIM 218600.

Submission:

Labcorp Genetics (formerly Invitae), Labcorp
Classification: Uncertain significance for Baller-Gerold syndrome. Last evaluated: 2021-03-29. Review status: criteria provided, single submitter. Criteria: Invitae Variant Classification Sherloc (09022015). Collection method: clinical testing. Allele origin: germline.
Comment: In summary, the available evidence is currently insufficient to determine the role of this variant in disease. Therefore, it has been classified as a Variant of Uncertain Significance. Algorithms developed to predict the effect of missense changes on protein structure and function (SIFT, PolyPhen-2, Align-GVGD) all suggest that this variant is likely to be tolerated, but these predictions have not been confirmed by published functional studies and their clinical significance is uncertain. This variant has not been reported in the literature in individuals with RECQL4-related disease. This variant is not present in population databases (ExAC no frequency). This sequence change replaces cysteine with tyrosine at codon 1008 of the RECQL4 protein (p.Cys1008Tyr). The cysteine residue is weakly conserved and there is a large physicochemical difference between cysteine and tyrosine.